The following is an entry in ClinVar:

NM_005614.4(RHEB):c.100T>C (p.Ser34Pro)

Gene: RHEB (Ras homolog, mTORC1 binding; minus strand). Cytogenetic location: 7q36.1.
Variant type: single nucleotide variant.
Coding change: c.100T>C on transcript NM_005614.4 (MANE Select); coding-DNA position 100, T replaced by C.
Protein change: p.Ser34Pro; replaces serine 34 with proline.
Molecular consequence: missense variant.
Genome position (GRCh38, 1-based): chr7:151,490,967, A>G on the plus strand (T>C on the coding strand, the complement: RHEB is on the minus strand). VCF-style: chr7-151490967-A-G. GRCh37 (hg19) VCF-style: chr7-151188053-A-G.
Other names: short protein forms S34P.
Identifiers: ClinVar variation 3788902 (VCV003788902.2).

ClinVar aggregate classification (germline): Uncertain significance (1 of 4 stars; one submission).

Submission:

Ambry Genetics
Classification: Uncertain significance. Last evaluated: 2025-05-30. Review status: criteria provided, single submitter. Criteria: Ambry Variant Classification Scheme 2023. Collection method: clinical testing. Allele origin: germline.
Comment: The c.100T>C (p.S34P) alteration is located in exon 2 (coding exon 2) of the RHEB gene. This alteration results from a T to C substitution at nucleotide position 100, causing the serine (S) at amino acid position 34 to be replaced by a proline (P). This variant was not reported in population-based cohorts in the Genome Aggregation Database (gnomAD). This amino acid position is highly conserved in available vertebrate species. This missense alteration is located in a region that has a low rate of benign missense variation (Lek, 2016; Firth, 2009). This alteration is predicted to be deleterious by in silico analysis. Based on insufficient or conflicting evidence, the clinical significance of this alteration remains unclear.